The following is an entry in ClinVar:

NM_001142864.4(PIEZO1):c.1196-4G>C

Genes: HSALR1 (HSP90AB1 associated lncRNA 1; plus strand), PIEZO1 (piezo type mechanosensitive ion channel component 1 (Er blood group); minus strand). Cytogenetic location: 16q24.3.
Variant type: single nucleotide variant.
Coding change: c.1196-4G>C on transcript NM_001142864.4 (MANE Select); 4 bases into the intron before coding-DNA position 1196, G replaced by C.
Molecular consequence: intron variant.
Genome position (GRCh38, 1-based): chr16:88,736,743, C>G on the plus strand (G>C on the coding strand, the complement: PIEZO1 is on the minus strand). VCF-style: chr16-88736743-C-G. GRCh37 (hg19) VCF-style: chr16-88803151-C-G.
Other names: c.1196-4G>C (NM_001142864.3).
Identifiers: ClinVar variation 1693684 (VCV001693684.12), dbSNP rs946453254, ClinGen allele CA286433616.

ClinVar aggregate classification (germline): Conflicting classifications of pathogenicity. Review status: criteria provided, conflicting classifications (1 of 4 stars). 6 submissions from 6 submitters: Uncertain significance (2); Likely benign (3). 1 of the submissions does not count toward it. Last evaluated 2025-02-16.

Conditions:
PIEZO1-related disorder. Also called: PIEZO1-related condition; PIEZO1-Related Disorders.

Allele frequency attached by ClinVar (database versions not stated): gnomAD 0.00005 and 0.00007; TOPMed 0.00007; gnomAD exomes 0.00009.
gnomAD v4.1: 150 of 1,511,280 alleles (0.0099%); highest among the groups gnomAD compares: Non-Finnish European, 0.012%; no homozygotes.

Submissions (6):

Laboratory of Genetics, Children's Clinical University Hospital Latvia
Classification: Likely benign. Last evaluated: 2025-02-16. Review status: criteria provided, single submitter. Criteria: ACMG Guidelines, 2015. Collection method: clinical testing. Allele origin: germline. Affected: yes.

Labcorp Genetics (formerly Invitae), Labcorp
Classification: Likely benign. Last evaluated: 2024-11-10. Review status: criteria provided, single submitter. Criteria: Invitae Variant Classification Sherloc (09022015). Collection method: clinical testing. Allele origin: germline.

Blueprint Genetics
Classification: Likely benign. Last evaluated: 2024-08-07. Review status: criteria provided, single submitter. Criteria: ACMG Guidelines, 2015. Collection method: clinical testing. Allele origin: germline.

Revvity Omics, Revvity
Classification: Uncertain significance. Last evaluated: 2024-05-20. Review status: criteria provided, single submitter. Criteria: ACMG Guidelines, 2015. Collection method: clinical testing. Allele origin: germline.

Mayo Clinic Laboratories, Mayo Clinic
Classification: Uncertain significance. Last evaluated: 2021-05-24. Review status: criteria provided, single submitter. Criteria: ACMG Guidelines, 2015. Collection method: clinical testing. Allele origin: germline.

PreventionGenetics, part of Exact Sciences
Classification: Likely benign for PIEZO1-related condition. Last evaluated: 2024-06-08. Review status: no assertion criteria provided. Collection method: clinical testing. Allele origin: germline. Not counted in ClinVar's aggregate classification.
Comment: This variant is classified as likely benign based on ACMG/AMP sequence variant interpretation guidelines (Richards et al. 2015 PMID: 25741868, with internal and published modifications).